The following is an entry in ClinVar:

ClinVar aggregate classification (germline): Pathogenic (1 of 4 stars; one submission).

Conditions:
Marfan syndrome (MFS). Also called: MARFAN SYNDROME, TYPE I; FBN1-Related Marfan Syndrome; Marfan syndrome type 1; Marfan's syndrome; Marfan syndrome, classic. Identifiers: Orphanet 284963, Orphanet 558, MedGen C0024796, MONDO:0007947, OMIM 154700.

Submission:

Institute of Medical Genetics and Genomics, Sir Ganga Ram Hospital
Classification: Pathogenic for Marfan syndrome. Last evaluated: 2023-07-10. Review status: criteria provided, single submitter. Criteria: ACMG Guidelines, 2015. Collection method: clinical testing. Allele origin: de novo. Inheritance: Autosomal dominant inheritance. Affected: yes. Observed: 1 heterozygote.
Comment: This variant has not been found in gnomAD (aggregated) (PM2_moderate). Computational tools predict a deleterious effect (PP3_strong). 1446 pathogenic missense variants have been reported in this gene (PP2_supporting). Different amino acid change causes pathogenecity (PM5_moderate). Parents negative for the variant.

NM_000138.5(FBN1):c.3458G>T (p.Cys1153Phe)

Gene: FBN1 (fibrillin 1; minus strand). Cytogenetic location: 15q21.1.
Variant type: single nucleotide variant.
Coding change: c.3458G>T on transcript NM_000138.5 (MANE Select); coding-DNA position 3458, G replaced by T.
Protein change: p.Cys1153Phe; replaces cysteine 1153 with phenylalanine.
Molecular consequence: missense variant.
Genome position (GRCh38, 1-based): chr15:48,487,317, C>A on the plus strand (G>T on the coding strand, the complement: FBN1 is on the minus strand). VCF-style: chr15-48487317-C-A. GRCh37 (hg19) VCF-style: chr15-48779514-C-A.
Other names: c.3458G>T, p.Cys1153Phe (NM_001406716.1); short protein forms C1153F.
Identifiers: ClinVar variation 2571593 (VCV002571593.2), dbSNP rs140599, ClinGen allele CA392326120.
Genomic context (GRCh38, chr15:48,487,317, plus strand): 5'-GATGTCATTCAAACAACTGACCACAAGTAAATGGTGTGAAAGTCTTTCTCCTTACCGATA[C>A]ACGCGGAGATGTTGGGGGACAGCTGATGGCCAGGCGGGCATTCACAGCGGTAACTTCCCT-3'
Protein context (NP_000129.3, residues 1143-1163): GHQLSPNISA[Cys1153Phe]IDINECELSA